The following is an entry in ClinVar:

ClinVar aggregate classification (germline): Uncertain significance (1 of 4 stars; one submission).

Allele frequency attached by ClinVar (database versions not stated): gnomAD exomes below 0.00001.
gnomAD v4.1: 1 of 1,613,448 alleles (0.000062%); highest among the groups gnomAD compares: Non-Finnish European, 0.000085%; no homozygotes.

Submission:

Labcorp Genetics (formerly Invitae), Labcorp
Classification: Uncertain significance. Last evaluated: 2024-10-26. Review status: criteria provided, single submitter. Criteria: Invitae Variant Classification Sherloc (09022015). Collection method: clinical testing. Allele origin: germline.
Comment: This sequence change replaces valine, which is neutral and non-polar, with leucine, which is neutral and non-polar, at codon 46 of the RARS2 protein (p.Val46Leu). This variant is not present in population databases (gnomAD no frequency). This variant has not been reported in the literature in individuals affected with RARS2-related conditions. ClinVar contains an entry for this variant (Variation ID: 1353039). Invitae Evidence Modeling of protein sequence and biophysical properties (such as structural, functional, and spatial information, amino acid conservation, physicochemical variation, residue mobility, and thermodynamic stability) indicates that this missense variant is not expected to disrupt RARS2 protein function with a negative predictive value of 95%. In summary, the available evidence is currently insufficient to determine the role of this variant in disease. Therefore, it has been classified as a Variant of Uncertain Significance.

NM_020320.5(RARS2):c.136G>T (p.Val46Leu)

Gene: RARS2 (arginyl-tRNA synthetase 2, mitochondrial; minus strand). Cytogenetic location: 6q15.
Variant type: single nucleotide variant.
Coding change: c.136G>T on transcript NM_020320.5 (MANE Select); coding-DNA position 136, G replaced by T.
Protein change: p.Val46Leu; replaces valine 46 with leucine.
Molecular consequence: missense variant. On other transcripts: 5 prime UTR variant (7), non-coding transcript variant (23).
Genome position (GRCh38, 1-based): chr6:87,564,207, C>A on the plus strand (G>T on the coding strand, the complement: RARS2 is on the minus strand). VCF-style: chr6-87564207-C-A. GRCh37 (hg19) VCF-style: chr6-88273925-C-A.
Other names: c.-334G>T (NM_001318785.2, NM_001350509.2); c.136G>T, p.Val46Leu (NM_001350505.2); c.-390G>T (NM_001350506.2, NM_001350507.2, NM_001350510.2 and 1 more transcripts); c.-552G>T (NM_001350508.2); short protein forms V46L.
Identifiers: ClinVar variation 1353039 (VCV001353039.8), dbSNP rs2128173663, ClinGen allele CA364941006.